The following is an entry in ClinVar:

NM_032217.5(ANKRD17):c.6763A>G (p.Ser2255Gly)

Gene: ANKRD17 (ankyrin repeat domain 17; minus strand). Cytogenetic location: 4q13.3.
Variant type: single nucleotide variant.
Coding change: c.6763A>G on transcript NM_032217.5 (MANE Select); coding-DNA position 6763, A replaced by G.
Protein change: p.Ser2255Gly; replaces serine 2255 with glycine.
Molecular consequence: missense variant.
Genome position (GRCh38, 1-based): chr4:73,090,865, T>C on the plus strand (A>G on the coding strand, the complement: ANKRD17 is on the minus strand). VCF-style: chr4-73090865-T-C. GRCh37 (hg19) VCF-style: chr4-73956582-T-C.
Other names: c.6424A>G, p.Ser2142Gly (NM_001286771.3); c.6760A>G, p.Ser2254Gly (NM_015574.2); c.6010A>G, p.Ser2004Gly (NM_198889.3); short protein forms S2004G, S2142G, S2254G, S2255G.
Identifiers: ClinVar variation 3602871 (VCV003602871.1).

ClinVar aggregate classification (germline): Uncertain significance (1 of 4 stars; one submission).

Submission:

GeneDx
Classification: Uncertain significance. Last evaluated: 2024-08-09. Review status: criteria provided, single submitter. Criteria: GeneDx Variant Classification Process June 2021. Collection method: clinical testing. Allele origin: germline. Affected: yes.
Comment: Not observed at significant frequency in large population cohorts (gnomAD); In silico analysis indicates that this missense variant does not alter protein structure/function; Has not been previously published as pathogenic or benign to our knowledge